The following is an entry in ClinVar:

NM_012431.3(SEMA3E):c.414T>C (p.Phe138=)

Gene: SEMA3E (semaphorin 3E; minus strand). Cytogenetic location: 7q21.11.
Variant type: single nucleotide variant.
Coding change: c.414T>C on transcript NM_012431.3 (MANE Select); coding-DNA position 414, T replaced by C.
Protein change: p.Phe138=; no amino-acid change (phenylalanine 138 retained).
Molecular consequence: synonymous variant.
Genome position (GRCh38, 1-based): chr7:83,466,524, A>G on the plus strand (T>C on the coding strand, the complement: SEMA3E is on the minus strand). VCF-style: chr7-83466524-A-G. GRCh37 (hg19) VCF-style: chr7-83095840-A-G.
Other names: c.234T>C, p.Phe78= (NM_001178129.2); c.414T>C (NM_012431.2).
Identifiers: ClinVar variation 2157133 (VCV002157133.6), dbSNP rs201425495, ClinGen allele CA4322348.

ClinVar aggregate classification (germline): Likely benign. Review status: criteria provided, single submitter (1 of 4 stars). 2 submissions from 2 submitters: Likely benign (1). 1 of the submissions does not count toward it. Last evaluated 2025-11-24.

Conditions:
SEMA3E-related disorder. Also called: SEMA3E-related condition.
CHARGE syndrome (CHARGE). Also called: Hittner Hirsch Kreh syndrome; CHARGE ASSOCIATION--COLOBOMA, HEART ANOMALY, CHOANAL ATRESIA, RETARDATION, GENITAL AND EAR ANOMALIES; Coloboma, heart anomaly, choanal atresia, retardation, genital and ear anomalies; CHARGE association; Hall-Hittner syndrome. Identifiers: Orphanet 138, MedGen C0265354, MONDO:0008965.

Allele frequency attached by ClinVar (database versions not stated): TOPMed 0.00004; gnomAD exomes 0.00008; ExAC 0.00017; 1000 Genomes Project 0.00020; 1000 Genomes Project 30x 0.00031; gnomAD 0.00004.
gnomAD v4.1: 120 of 1,613,858 alleles (0.0074%); highest among the groups gnomAD compares: South Asian, 0.13%; no homozygotes.

Submissions (2):

Labcorp Genetics (formerly Invitae), Labcorp
Classification: Likely benign for CHARGE syndrome. Last evaluated: 2025-11-24. Review status: criteria provided, single submitter. Criteria: Invitae Variant Classification Sherloc (09022015). Collection method: clinical testing. Allele origin: germline.

PreventionGenetics, part of Exact Sciences
Classification: Likely benign for SEMA3E-related condition. Last evaluated: 2023-11-10. Review status: no assertion criteria provided. Collection method: clinical testing. Allele origin: germline. Not counted in ClinVar's aggregate classification.
Comment: This variant is classified as likely benign based on ACMG/AMP sequence variant interpretation guidelines (Richards et al. 2015 PMID: 25741868, with internal and published modifications).